The following is an entry in ClinVar:

NM_019842.4(KCNQ5):c.277C>T (p.Pro93Ser)

Genes: KCNQ5 (potassium voltage-gated channel subfamily Q member 5; plus strand), KCNQ5-DT (KCNQ5 divergent transcript; minus strand). Cytogenetic location: 6q13.
Variant type: single nucleotide variant.
Coding change: c.277C>T on transcript NM_019842.4 (MANE Select); coding-DNA position 277, C replaced by T.
Protein change: p.Pro93Ser; replaces proline 93 with serine.
Molecular consequence: missense variant.
Genome position (GRCh38, 1-based): chr6:72,622,466, C>T. VCF-style: chr6-72622466-C-T. GRCh37 (hg19) VCF-style: chr6-73332194-C-T.
Other names: c.277C>T, p.Pro93Ser (NM_001160130.2, NM_001160132.2, NM_001160133.2 and 1 more transcripts); short protein forms P93S.
Identifiers: ClinVar variation 2759519 (VCV002759519.3), dbSNP rs972535124, ClinGen allele CA141452128.

ClinVar aggregate classification (germline): Uncertain significance (1 of 4 stars; one submission).

Submission:

Labcorp Genetics (formerly Invitae), Labcorp
Classification: Uncertain significance. Last evaluated: 2023-09-10. Review status: criteria provided, single submitter. Criteria: Invitae Variant Classification Sherloc (09022015). Collection method: clinical testing. Allele origin: germline.
Comment: This variant has not been reported in the literature in individuals affected with KCNQ5-related conditions. This sequence change replaces proline, which is neutral and non-polar, with serine, which is neutral and polar, at codon 93 of the KCNQ5 protein (p.Pro93Ser). This variant is not present in population databases (gnomAD no frequency). Advanced modeling of protein sequence and biophysical properties (such as structural, functional, and spatial information, amino acid conservation, physicochemical variation, residue mobility, and thermodynamic stability) performed at Invitae indicates that this missense variant is expected to disrupt KCNQ5 protein function. In summary, the available evidence is currently insufficient to determine the role of this variant in disease. Therefore, it has been classified as a Variant of Uncertain Significance.